The following is an entry in ClinVar:

NM_004360.5(CDH1):c.254T>C (p.Val85Ala)

Gene: CDH1 (cadherin 1; plus strand). Cytogenetic location: 16q22.1.
Variant type: single nucleotide variant.
Coding change: c.254T>C on transcript NM_004360.5 (MANE Select); coding-DNA position 254, T replaced by C.
Protein change: p.Val85Ala; replaces valine 85 with alanine.
Molecular consequence: missense variant. On other transcripts: 5 prime UTR variant (2).
Genome position (GRCh38, 1-based): chr16:68,801,760, T>C. VCF-style: chr16-68801760-T-C. GRCh37 (hg19) VCF-style: chr16-68835663-T-C.
Other names: c.254T>C (LRG_301t1); c.254T>C, p.Val85Ala (NM_001317184.2); c.-1362T>C (NM_001317185.2); c.-1566T>C (NM_001317186.2); short protein forms V85A.
Identifiers: ClinVar variation 239901 (VCV000239901.20), dbSNP rs878854688, ClinGen allele CA10583406.

ClinVar aggregate classification (germline): Conflicting classifications of pathogenicity. Review status: criteria provided, conflicting classifications (1 of 4 stars). 5 submissions from 5 submitters: Uncertain significance (4); Likely benign (1). Last evaluated 2025-07-15.

Conditions:
Hereditary cancer. Identifiers: MedGen C1333600.
Hereditary cancer-predisposing syndrome. Also called: Neoplastic Syndromes, Hereditary; Tumor predisposition; Hereditary neoplastic syndrome; Hereditary Cancer Syndrome. Identifiers: Orphanet 140162, MedGen C0027672, MeSH D009386, MONDO:0015356.
Hereditary diffuse gastric adenocarcinoma (HDGC). Also called: DIFFUSE GASTRIC AND LOBULAR BREAST CANCER SYNDROME. Identifiers: Orphanet 26106, MedGen C1708349, MONDO:0007648, OMIM 137215.

Allele frequency attached by ClinVar (database versions not stated): TOPMed below 0.00001; gnomAD 0.00001.

Submissions (5):

Labcorp Genetics (formerly Invitae), Labcorp
Classification: Uncertain significance for Hereditary diffuse gastric adenocarcinoma. Last evaluated: 2025-07-15. Review status: criteria provided, single submitter. Criteria: Invitae Variant Classification Sherloc (09022015). Collection method: clinical testing. Allele origin: germline.
Comment: This sequence change replaces valine, which is neutral and non-polar, with alanine, which is neutral and non-polar, at codon 85 of the CDH1 protein (p.Val85Ala). This variant is not present in population databases (gnomAD no frequency). This variant has not been reported in the literature in individuals affected with CDH1-related conditions. ClinVar contains an entry for this variant (Variation ID: 239901). An algorithm developed to predict the effect of missense changes on protein structure and function (PolyPhen-2) suggests that this variant is likely to be tolerated. In summary, the available evidence is currently insufficient to determine the role of this variant in disease. Therefore, it has been classified as a Variant of Uncertain Significance.

Mendelics
Classification: Likely benign for Hereditary cancer. Last evaluated: 2024-09-11. Review status: criteria provided, single submitter. Criteria: ACMG Guidelines, 2015. Collection method: clinical testing. Allele origin: unknown.
Comment: This variant is considered likely benign or benign based on one or more of the following: it is predicted to be benign by multiple in silico algorithms, and/or has population frequency not consistent with disease, and/or has normal protein function, and/or has lack of segregation with disease, and/or has been detected in co-occurrence with known pathogenic variant, and/or has lack of disease association in case-control studies, and/or is located in a region inconsistent with a known cause of pathogenicity.

Ambry Genetics
Classification: Uncertain significance for Hereditary cancer-predisposing syndrome. Last evaluated: 2024-03-08. Review status: criteria provided, single submitter. Criteria: Ambry Variant Classification Scheme 2023. Collection method: clinical testing. Allele origin: germline.
Comment: The p.V85A variant (also known as c.254T>C), located in coding exon 3 of the CDH1 gene, results from a T to C substitution at nucleotide position 254. The valine at codon 85 is replaced by alanine, an amino acid with similar properties. This amino acid position is highly conserved in available vertebrate species. In addition, this alteration is predicted to be tolerated by in silico analysis. Since supporting evidence is limited at this time, the clinical significance of this alteration remains unclear.

Quest Diagnostics Nichols Institute San Juan Capistrano
Classification: Uncertain significance. Last evaluated: 2023-04-11. Review status: criteria provided, single submitter. Criteria: Quest Diagnostics criteria. Collection method: clinical testing. Allele origin: unknown.
Comment: The variant has not been reported in the published literature. It also has not been reported in large, multi-ethnic general populations. Analysis of this variant using bioinformatics tools for the prediction of the effect of amino acid changes on protein structure and function yielded predictions that this variant is benign. Based on the available information, we are unable to determine the clinical significance of this variant.

Women's Health and Genetics/Laboratory Corporation of America, LabCorp
Classification: Uncertain significance. Last evaluated: 2019-09-26. Review status: criteria provided, single submitter. Criteria: LabCorp Variant Classification Summary - May 2015. Collection method: clinical testing. Allele origin: germline.
Comment: Variant summary: CDH1 c.254T>C (p.Val85Ala) results in a non-conservative amino acid change located in the Cadherin prodomain (IPR014868) of the encoded protein sequence. Three of five in-silico tools predict a benign effect of the variant on protein function. The variant was absent in 251384 control chromosomes (gnomAD). The available data on variant occurrences in the general population are insufficient to allow any conclusion about variant significance. To our knowledge, no occurrence of c.254T>C in individuals affected with Hereditary Diffuse Gastric Cancer and no experimental evidence demonstrating its impact on protein function have been reported. Co-occurrence with another pathogenic variant has been reported (ATM c.7271T>G, p.V2424G).Two other ClinVar submitters (evaluation after 2014) cite the variant as uncertain significance. Based on the evidence outlined above, the variant was classified as uncertain significance.

Literature cited by the submitters: PubMed 29416795 (cited by Women's Health and Genetics/Laboratory Corporation of America, LabCorp).